The following is an entry in ClinVar:

ClinVar aggregate classification (germline): Uncertain significance (1 of 4 stars; one submission).

gnomAD v4.1: 1 of 1,609,666 alleles (0.000062%); highest among the groups gnomAD compares: Non-Finnish European, 0.000085%; no homozygotes.

Submission:

Labcorp Genetics (formerly Invitae), Labcorp
Classification: Uncertain significance. Last evaluated: 2024-03-07. Review status: criteria provided, single submitter. Criteria: Invitae Variant Classification Sherloc (09022015). Collection method: clinical testing. Allele origin: germline.
Comment: This sequence change replaces alanine, which is neutral and non-polar, with proline, which is neutral and non-polar, at codon 330 of the IRF2BP2 protein (p.Ala330Pro). This variant is not present in population databases (gnomAD no frequency). This variant has not been reported in the literature in individuals affected with IRF2BP2-related conditions. An algorithm developed to predict the effect of missense changes on protein structure and function (PolyPhen-2) suggests that this variant is likely to be disruptive. In summary, the available evidence is currently insufficient to determine the role of this variant in disease. Therefore, it has been classified as a Variant of Uncertain Significance.

NM_182972.3(IRF2BP2):c.988G>C (p.Ala330Pro)

Genes: IRF2BP2 (interferon regulatory factor 2 binding protein 2; minus strand), LOC129932810 (ATAC-STARR-seq lymphoblastoid active region 2760; plus strand). Cytogenetic location: 1q42.3.
Variant type: single nucleotide variant.
Coding change: c.988G>C on transcript NM_182972.3 (MANE Select); coding-DNA position 988, G replaced by C.
Protein change: p.Ala330Pro; replaces alanine 330 with proline.
Molecular consequence: missense variant.
Genome position (GRCh38, 1-based): chr1:234,608,507, C>G on the plus strand (G>C on the coding strand, the complement: IRF2BP2 is on the minus strand). VCF-style: chr1-234608507-C-G. GRCh37 (hg19) VCF-style: chr1-234744253-C-G.
Other names: c.988G>C, p.Ala330Pro (NM_001077397.1); short protein forms A330P.
Identifiers: ClinVar variation 3657673 (VCV003657673.2).